The following is an entry in ClinVar:

NM_001374385.1(ATP8B1):c.*900G>A

Genes: ATP8B1 (ATPase phospholipid transporting 8B1; minus strand), ATP8B1-AS1 (ATP8B1 antisense RNA 1; plus strand). Cytogenetic location: 18q21.31.
Variant type: single nucleotide variant.
Coding change: c.*900G>A on transcript NM_001374385.1 (MANE Select); 900 bases downstream of the stop codon, G replaced by A.
Molecular consequence: 3 prime UTR variant.
Genome position (GRCh38, 1-based): chr18:57,647,588, C>T on the plus strand (G>A on the coding strand, the complement: ATP8B1 is on the minus strand). VCF-style: chr18-57647588-C-T. GRCh37 (hg19) VCF-style: chr18-55314820-C-T.
Other names: NC_000018.9:g.55314820C>T; c.*900G>A (NM_001374386.1, NM_005603.6).
Identifiers: ClinVar variation 890486 (VCV000890486.5), dbSNP rs4940950, ClinGen allele CA300863846.

ClinVar aggregate classification (germline): Likely benign (1 of 4 stars; one submission).

Conditions:
Progressive familial intrahepatic cholestasis type 1. Also called: BYLER DISEASE; Byler's disease; Severe ATP8B1 Deficiency (Progressive Familial Intrahepatic Cholestasis Type 1 [PFIC1]). Identifiers: Orphanet 79306, MedGen C4551898, MONDO:0008892, OMIM 211600.

Allele frequency attached by ClinVar (database versions not stated): 1000 Genomes Project 0.00359; 1000 Genomes Project 30x 0.00406.

Submissions (3):

Illumina Laboratory Services, Illumina
Classification: Likely benign for Progressive familial intrahepatic cholestasis type 1. Last evaluated: 2018-01-13. Review status: criteria provided, single submitter. Criteria: ICSL Variant Classification Criteria 13 December 2019. Collection method: clinical testing. Allele origin: germline.
Comment: This variant was observed in the ICSL laboratory as part of a predisposition screen in an ostensibly healthy population. It had not been previously curated by ICSL or reported in the Human Gene Mutation Database (HGMD: prior to June 1st, 2018), and was therefore a candidate for classification through an automated scoring system. Utilizing variant allele frequency, disease prevalence and penetrance estimates, and inheritance mode, an automated score was calculated to assess if this variant is too frequent to cause the disease. Based on the score and internal cut-off values, a variant classified as likely benign is not then subjected to further curation. The score for this variant resulted in a classification of likely benign for this disease.

Dr. Peter K. Rogan Lab, Western University
No classification provided (evidence only). Condition: Ovarian serous cystadenocarcinoma. Review status: no classification provided. Collection method: in vitro. Allele origin: not applicable. Functional consequence: retained intron. Not counted in ClinVar's aggregate classification.

Dr. Peter K. Rogan Lab, Western University
No classification provided (evidence only). Condition: Ovarian serous cystadenocarcinoma. Review status: no classification provided. Collection method: in vitro. Allele origin: not applicable. Functional consequence: retained intron. Not counted in ClinVar's aggregate classification.